The following is an entry in ClinVar:

ClinVar aggregate classification (germline): Conflicting classifications of pathogenicity. Review status: criteria provided, conflicting classifications (1 of 4 stars). 3 submissions from 3 submitters: Uncertain significance (1); Likely benign (2). Last evaluated 2025-11-09.

Conditions:
PEX16-related disorder. Also called: PEX16-related condition.
Peroxisome biogenesis disorder. Identifiers: Orphanet 79189, MedGen C1832200, MONDO:0019234. Disease mechanism: loss of function.

Allele frequency attached by ClinVar (database versions not stated): gnomAD exomes below 0.00001.
gnomAD v4.1: 1 of 1,614,098 alleles (0.000062%); highest among the groups gnomAD compares: Admixed American, 0.0017%; no homozygotes.

Submissions (3):

PreventionGenetics, part of Exact Sciences
Classification: Likely benign for PEX16-related condition. Last evaluated: 2025-11-09. Review status: criteria provided, single submitter. Criteria: ACMG Guidelines, 2015. Collection method: clinical testing. Allele origin: germline.
Comment: This variant is classified as likely benign based on ACMG/AMP sequence variant interpretation guidelines (Richards et al. 2015 PMID: 25741868, with internal and published modifications).

Labcorp Genetics (formerly Invitae), Labcorp
Classification: Likely benign for Peroxisome biogenesis disorder. Last evaluated: 2022-08-11. Review status: criteria provided, single submitter. Criteria: Invitae Variant Classification Sherloc (09022015). Collection method: clinical testing. Allele origin: germline.

Eurofins Ntd Llc (ga)
Classification: Uncertain significance. Last evaluated: 2017-09-27. Review status: criteria provided, single submitter. Criteria: EGL Classification Definitions 2015. Collection method: clinical testing. Allele origin: germline. Observed: 1 variant allele, 1 heterozygote.

NM_004813.4(PEX16):c.541+8G>A

Gene: PEX16 (peroxisomal biogenesis factor 16; minus strand). Cytogenetic location: 11p11.2.
Variant type: single nucleotide variant.
Coding change: c.541+8G>A on transcript NM_004813.4 (MANE Select); 8 bases into the intron after coding-DNA position 541, G replaced by A.
Molecular consequence: intron variant.
Genome position (GRCh38, 1-based): chr11:45,914,596, C>T on the plus strand (G>A on the coding strand, the complement: PEX16 is on the minus strand). VCF-style: chr11-45914596-C-T. GRCh37 (hg19) VCF-style: chr11-45936147-C-T.
Other names: c.541+8G>A (NM_057174.3, NM_004813.2).
Identifiers: ClinVar variation 594042 (VCV000594042.11), dbSNP rs1565081217, ClinGen allele CA913190260.